The following is an entry in ClinVar:

ClinVar aggregate classification (germline): Uncertain significance (1 of 4 stars; one submission).

Allele frequency attached by ClinVar (database versions not stated): gnomAD 0.00002; TOPMed 0.00003.

Submission:

Labcorp Genetics (formerly Invitae), Labcorp
Classification: Uncertain significance. Last evaluated: 2024-08-05. Review status: criteria provided, single submitter. Criteria: Invitae Variant Classification Sherloc (09022015). Collection method: clinical testing. Allele origin: germline.
Comment: This sequence change replaces glycine, which is neutral and non-polar, with serine, which is neutral and polar, at codon 248 of the PEPD protein (p.Gly248Ser). This variant is not present in population databases (gnomAD no frequency). This variant has not been reported in the literature in individuals affected with PEPD-related conditions. ClinVar contains an entry for this variant (Variation ID: 2012496). An algorithm developed to predict the effect of missense changes on protein structure and function (PolyPhen-2) suggests that this variant is likely to be disruptive. Algorithms developed to predict the effect of sequence changes on RNA splicing suggest that this variant may create or strengthen a splice site. In summary, the available evidence is currently insufficient to determine the role of this variant in disease. Therefore, it has been classified as a Variant of Uncertain Significance.

NM_000285.4(PEPD):c.742G>A (p.Gly248Ser)

Gene: PEPD (peptidase D; minus strand). Cytogenetic location: 19q13.11.
Variant type: single nucleotide variant.
Coding change: c.742G>A on transcript NM_000285.4 (MANE Select); coding-DNA position 742, G replaced by A.
Protein change: p.Gly248Ser; replaces glycine 248 with serine.
Molecular consequence: missense variant.
Genome position (GRCh38, 1-based): chr19:33,411,748, C>T on the plus strand (G>A on the coding strand, the complement: PEPD is on the minus strand). VCF-style: chr19-33411748-C-T. GRCh37 (hg19) VCF-style: chr19-33902654-C-T.
Other names: c.619G>A, p.Gly207Ser (NM_001166056.2); c.550G>A, p.Gly184Ser (NM_001166057.2); short protein forms G184S, G207S, G248S.
Identifiers: ClinVar variation 2012496 (VCV002012496.4), dbSNP rs1053952429, ClinGen allele CA307594190.
Genomic context (GRCh38, chr19:33,411,748, plus strand): 5'-GGATCGTTCGGTCGTTGGGAGCTCCGGCGTGTCCGTAGTGTAGCACGGCTGAGTTCTCAC[C>T]ACTGCAAAGAGCCGGGGGAGGGTGATCAAAGCCCATTCTTCTGCAGCAGGCTCTGAAGGA-3'
Protein context (NP_000276.2, residues 238-258): HSSYTCICGS[Gly248Ser]ENSAVLHYGH